The following is an entry in ClinVar:

ClinVar aggregate classification (germline): Uncertain significance (1 of 4 stars; one submission).

Conditions:
Distal arthrogryposis type 5D (DA5D). Identifiers: Orphanet 329457, MedGen C3554415, MONDO:0014028, OMIM 615065.

Allele frequency attached by ClinVar (database versions not stated): gnomAD 0.00001.
gnomAD v4.1: 1 of 1,613,568 alleles (0.000062%); highest among the groups gnomAD compares: Non-Finnish European, 0.000085%; no homozygotes.

Submission:

Broad Center for Mendelian Genomics, Broad Institute of MIT and Harvard
Classification: Uncertain significance for Distal arthrogryposis type 5D. Last evaluated: 2024-03-12. Review status: criteria provided, single submitter. Criteria: ACMG Guidelines, 2015. Collection method: curation. Allele origin: germline. Inheritance: Autosomal recessive inheritance.
Comment: The p.Cys772Arg variant in ECEL1 has not been previously reported in the literature in individuals with distal arthrogryposis type 5D. This variant is absent from large population studies. Computational prediction tools and conservation analyses suggest that this variant may impact the protein, though this information is not predictive enough to determine pathogenicity. In summary, the clinical significance of the p.Cys772Arg variant is uncertain. ACMG/AMP Criteria applied: PP3, PM2_supporting, PM3_supporting (Richards 2015).

Literature cited by the submitters: PubMed 39033378.

NM_004826.4(ECEL1):c.2314T>C (p.Cys772Arg)

Gene: ECEL1 (endothelin converting enzyme like 1; minus strand). Cytogenetic location: 2q37.1.
Variant type: single nucleotide variant.
Coding change: c.2314T>C on transcript NM_004826.4 (MANE Select); coding-DNA position 2314, T replaced by C.
Protein change: p.Cys772Arg; replaces cysteine 772 with arginine.
Molecular consequence: missense variant.
Genome position (GRCh38, 1-based): chr2:232,480,167, A>G on the plus strand (T>C on the coding strand, the complement: ECEL1 is on the minus strand). VCF-style: chr2-232480167-A-G. GRCh37 (hg19) VCF-style: chr2-233344877-A-G.
Other names: NM_001290787.2:c.2308T>C; c.2308T>C, p.Cys770Arg (NM_001290787.2); short protein forms C770R, C772R.
Identifiers: ClinVar variation 3061838 (VCV003061838.1), dbSNP rs2106181382, ClinGen allele CA350995958.
Genomic context (GRCh38, chr2:232,480,167, plus strand): 5'-GTGATTCGTGCGGGGGCAGTGGGGGCGTGCAGGCGGGCAGCCAGGCTCACCACACGGAAC[A>G]CTTGTGGGCAGGGTTCATGGGTGAGTCCTTGGGACAGTGGAAAGCCCGGCCAAACTCCTC-3'
Protein context (NP_004817.2, residues 762-775): KDSPMNPAHK[Cys772Arg]SVW